The following is an entry in ClinVar:

NM_153717.3(EVC):c.1119G>A (p.Met373Ile)

Gene: EVC (EvC ciliary complex subunit 1; plus strand). Cytogenetic location: 4p16.2.
Variant type: single nucleotide variant.
Coding change: c.1119G>A on transcript NM_153717.3 (MANE Select); coding-DNA position 1119, G replaced by A.
Protein change: p.Met373Ile; replaces methionine 373 with isoleucine.
Molecular consequence: missense variant.
Genome position (GRCh38, 1-based): chr4:5,752,856, G>A. VCF-style: chr4-5752856-G-A. GRCh37 (hg19) VCF-style: chr4-5754583-G-A.
Other names: c.1119G>A, p.Met373Ile (NM_001306090.2, NM_001306092.2); short protein forms M373I.
Identifiers: ClinVar variation 1347929 (VCV001347929.4), dbSNP rs1397539769, ClinGen allele CA356153315.

ClinVar aggregate classification (germline): Uncertain significance (1 of 4 stars; one submission).

Conditions:
Ellis-van Creveld syndrome (EVC). Also called: Chondroectodermal dysplasia; EVC-Related Ellis-van Creveld Syndrome; EVC2-Related Ellis-van Creveld Syndrome; MESOECTODERMAL DYSPLASIA. Identifiers: Orphanet 289, MedGen C0013903, MONDO:0009162, OMIM 225500.
Curry-Hall syndrome (WAD). Also called: WEYERS ACRODENTAL DYSOSTOSIS. Identifiers: Orphanet 952, MedGen C0457013, MONDO:0008673, OMIM 193530.

Allele frequency attached by ClinVar (database versions not stated): gnomAD exomes below 0.00001.
gnomAD v4.1: 3 of 1,614,228 alleles (0.00019%); highest among the groups gnomAD compares: Admixed American, 0.0017%; no homozygotes.

Submission:

Labcorp Genetics (formerly Invitae), Labcorp
Classification: Uncertain significance for Curry-Hall syndrome; Ellis-van Creveld syndrome. Last evaluated: 2021-10-24. Review status: criteria provided, single submitter. Criteria: Invitae Variant Classification Sherloc (09022015). Collection method: clinical testing. Allele origin: germline.
Comment: This sequence change replaces methionine with isoleucine at codon 373 of the EVC protein (p.Met373Ile). The methionine residue is moderately conserved and there is a small physicochemical difference between methionine and isoleucine. This variant is not present in population databases (ExAC no frequency). This variant has not been reported in the literature in individuals with EVC-related conditions. Algorithms developed to predict the effect of missense changes on protein structure and function (SIFT, PolyPhen-2, Align-GVGD) all suggest that this variant is likely to be tolerated, but these predictions have not been confirmed by published functional studies and their clinical significance is uncertain. In summary, the available evidence is currently insufficient to determine the role of this variant in disease. Therefore, it has been classified as a Variant of Uncertain Significance.